The following is an entry in ClinVar:

ClinVar aggregate classification (germline): Conflicting classifications of pathogenicity. Review status: criteria provided, conflicting classifications (1 of 4 stars). 2 submissions from 2 submitters: Uncertain significance (1); Likely benign (1). Last evaluated 2025-12-08.

Conditions:
Inborn genetic diseases. Identifiers: MedGen C0950123, MeSH D030342.
Acute myeloid leukemia (AML). Also called: Acute myeloid leukemia, adult; AML adult; Acute non-lymphocytic leukemia; Acute granulocytic leukemia; Leukemia, acute myeloid, somatic; Leukemia, acute myelogenous, somatic. Identifiers: Orphanet 519, MedGen C0023467, MeSH D015470, MONDO:0018874, OMIM 601626, HP:0004808. Disease mechanism: Constitutively activated FLT3.

Submissions (2):

Labcorp Genetics (formerly Invitae), Labcorp
Classification: Uncertain significance for Acute myeloid leukemia. Last evaluated: 2025-12-08. Review status: criteria provided, single submitter. Criteria: Invitae Variant Classification Sherloc (09022015). Collection method: clinical testing. Allele origin: germline.
Comment: This sequence change affects codon 238 of the CEBPA mRNA. It is a 'silent' change, meaning that it does not change the encoded amino acid sequence of the CEBPA protein. This variant is not present in population databases (gnomAD no frequency). This variant has not been reported in the literature in individuals affected with CEBPA-related conditions. ClinVar contains an entry for this variant (Variation ID: 3489916). In summary, the available evidence is currently insufficient to determine the role of this variant in disease. Therefore, it has been classified as a Variant of Uncertain Significance.

Ambry Genetics
Classification: Likely benign for Inborn genetic diseases. Last evaluated: 2024-12-03. Review status: criteria provided, single submitter. Criteria: Ambry Variant Classification Scheme 2023. Collection method: clinical testing. Allele origin: germline.

NM_004364.5(CEBPA):c.714G>A (p.Ala238=)

Gene: CEBPA (CCAAT enhancer binding protein alpha; minus strand). Cytogenetic location: 19q13.11.
Variant type: single nucleotide variant.
Coding change: c.714G>A on transcript NM_004364.5 (MANE Select); coding-DNA position 714, G replaced by A.
Protein change: p.Ala238=; no amino-acid change (alanine 238 retained).
Molecular consequence: synonymous variant.
Genome position (GRCh38, 1-based): chr19:33,301,701, C>T on the plus strand (G>A on the coding strand, the complement: CEBPA is on the minus strand). VCF-style: chr19-33301701-C-T. GRCh37 (hg19) VCF-style: chr19-33792607-C-T.
Other names: c.357G>A, p.Ala119= (NM_001285829.2); c.819G>A, p.Ala273= (NM_001287424.2); c.672G>A, p.Ala224= (NM_001287435.2).
Identifiers: ClinVar variation 3489916 (VCV003489916.2).
Genomic context (GRCh38, chr19:33,301,701, plus strand): 5'-GGCGCCCAGCCCCTTGAGCGCGCTGCCAGGGCCCGGCAGGCCGGCGGCACCGAGCGCGGG[C>T]GCGGGGTGCGGGCTGGGCACGGGCGTGGGCGGCGGCGTGGGGTGACCGGGCTGCAGGTGC-3'
Protein context (NP_004355.2, residues 228-248): PPTPVPSPHP[Ala238=]PALGAAGLPG